The following is an entry in ClinVar:

ClinVar aggregate classification (germline): Uncertain significance (1 of 4 stars; one submission).

gnomAD v4.1: 1 of 1,613,224 alleles (0.000062%); highest among the groups gnomAD compares: South Asian, 0.0011%; no homozygotes.

Submission:

Labcorp Genetics (formerly Invitae), Labcorp
Classification: Uncertain significance. Last evaluated: 2024-03-16. Review status: criteria provided, single submitter. Criteria: Invitae Variant Classification Sherloc (09022015). Collection method: clinical testing. Allele origin: germline.
Comment: This sequence change replaces serine, which is neutral and polar, with asparagine, which is neutral and polar, at codon 847 of the KAT6A protein (p.Ser847Asn). This variant is not present in population databases (gnomAD no frequency). This variant has not been reported in the literature in individuals affected with KAT6A-related conditions. Algorithms developed to predict the effect of missense changes on protein structure and function output the following: SIFT: "Not Available"; PolyPhen-2: "Benign"; Align-GVGD: "Not Available". The asparagine amino acid residue is found in multiple mammalian species, which suggests that this missense change does not adversely affect protein function. In summary, the available evidence is currently insufficient to determine the role of this variant in disease. Therefore, it has been classified as a Variant of Uncertain Significance.

NM_006766.5(KAT6A):c.2540G>A (p.Ser847Asn)

Gene: KAT6A (lysine acetyltransferase 6A; minus strand). Cytogenetic location: 8p11.21.
Variant type: single nucleotide variant.
Coding change: c.2540G>A on transcript NM_006766.5 (MANE Select); coding-DNA position 2540, G replaced by A.
Protein change: p.Ser847Asn; replaces serine 847 with asparagine.
Molecular consequence: missense variant.
Genome position (GRCh38, 1-based): chr8:41,941,341, C>T on the plus strand (G>A on the coding strand, the complement: KAT6A is on the minus strand). VCF-style: chr8-41941341-C-T. GRCh37 (hg19) VCF-style: chr8-41798859-C-T.
Other names: short protein forms S847N.
Identifiers: ClinVar variation 3692216 (VCV003692216.2).